The following is an entry in ClinVar:

ClinVar aggregate classification (germline): Likely benign (1 of 4 stars; one submission).

Conditions:
Pontocerebellar hypoplasia type 2D (PCH2D). Also called: Progressive cerebello-cerebral atrophy. Identifiers: Orphanet 247198, Orphanet 2524, MedGen C3151140, MONDO:0013438, OMIM 613811.

Allele frequency attached by ClinVar (database versions not stated): gnomAD 0.00967 and 0.01027; TOPMed 0.01049; 1000 Genomes Project 0.01078; 1000 Genomes Project 30x 0.01140.

Submission:

Illumina Laboratory Services, Illumina
Classification: Likely benign for Pontocerebellar hypoplasia type 2D. Last evaluated: 2017-04-27. Review status: criteria provided, single submitter. Criteria: ICSL Variant Classification Criteria 13 December 2019. Collection method: clinical testing. Allele origin: germline.
Comment: This variant was observed as part of a predisposition screen in an ostensibly healthy population. A literature search was performed for the gene, cDNA change, and amino acid change (where applicable). No publications were found based on this search. Allele frequency data from public databases allowed determination this variant is unlikely to cause disease. Therefore, this variant is classified as likely benign.

NM_016955.4(SEPSECS):c.*1041T>C

Gene: SEPSECS (Sep (O-phosphoserine) tRNA:Sec (selenocysteine) tRNA synthase; minus strand). Cytogenetic location: 4p15.2.
Variant type: single nucleotide variant.
Coding change: c.*1041T>C on transcript NM_016955.4 (MANE Select); 1041 bases downstream of the stop codon, T replaced by C.
Molecular consequence: 3 prime UTR variant.
Genome position (GRCh38, 1-based): chr4:25,122,890, A>G on the plus strand (T>C on the coding strand, the complement: SEPSECS is on the minus strand). VCF-style: chr4-25122890-A-G. GRCh37 (hg19) VCF-style: chr4-25124512-A-G.
Identifiers: ClinVar variation 348535 (VCV000348535.5), dbSNP rs114420733, ClinGen allele CA10620795.
Genomic context (GRCh38, chr4:25,122,890, plus strand): 5'-AAAATGAGCACATGGGCAAGTAGAGGGGAATACACCTGTTTATCATACTATGTGATTTTC[A>G]TCTTCCTGGCAAAAATATGTTCAAAAATACCCATGTTAGCTAATTTTGATGATGTCTGTG-3'